The following is an entry in ClinVar:

ClinVar aggregate classification (germline): Likely benign. Review status: criteria provided, multiple submitters, no conflicts (2 of 4 stars). 2 submissions from 2 submitters: Likely benign (2). Last evaluated 2026-05-12.

Conditions:
Neurofibromatosis, type 1 (NF1). Also called: NEUROFIBROMATOSIS, TYPE I, SOMATIC; Neurofibromatosis, type I; VON RECKLINGHAUSEN DISEASE; Peripheral type neurofibromatosis. Identifiers: Orphanet 636, MedGen C0027831, MONDO:0018975, OMIM 162200. Disease mechanism: loss of function.

Allele frequency attached by ClinVar (database versions not stated): gnomAD exomes 0.00001 and below 0.00001.
gnomAD v4.1: 15 of 1,613,346 alleles (0.00093%); highest among the groups gnomAD compares: Non-Finnish European, 0.0012%; no homozygotes.

Submissions (2):

Myriad Genetics, Inc.
Classification: Likely benign for Neurofibromatosis, type 1. Last evaluated: 2026-05-12. Review status: criteria provided, single submitter. Criteria: Myriad Autosomal Dominant, Autosomal Recessive and X-Linked Classification Criteria (2023). Collection method: clinical testing. Allele origin: unknown.
Comment: This variant is considered likely benign. This variant is intronic and is not expected to impact mRNA splicing.

Labcorp Genetics (formerly Invitae), Labcorp
Classification: Likely benign for Neurofibromatosis, type 1. Last evaluated: 2024-09-29. Review status: criteria provided, single submitter. Criteria: Invitae Variant Classification Sherloc (09022015). Collection method: clinical testing. Allele origin: germline.

NM_001042492.3(NF1):c.2001+7T>C

Gene: NF1 (neurofibromin 1; plus strand). Cytogenetic location: 17q11.2.
Variant type: single nucleotide variant.
Coding change: c.2001+7T>C on transcript NM_001042492.3 (MANE Select); 7 bases into the intron after coding-DNA position 2001, T replaced by C.
Molecular consequence: intron variant.
Genome position (GRCh38, 1-based): chr17:31,225,257, T>C. VCF-style: chr17-31225257-T-C. GRCh37 (hg19) VCF-style: chr17-29552275-T-C.
Other names: c.2001+7T>C (NM_000267.4).
Identifiers: ClinVar variation 237528 (VCV000237528.11), dbSNP rs878853870, ClinGen allele CA10583477.